The following is an entry in ClinVar:

ClinVar aggregate classification (germline): Likely pathogenic (1 of 4 stars; one submission).

Conditions:
Cardiovascular phenotype. Identifiers: MedGen CN230736.

Submission:

Ambry Genetics
Classification: Likely pathogenic for Cardiovascular phenotype. Last evaluated: 2025-09-29. Review status: criteria provided, single submitter. Criteria: Ambry Variant Classification Scheme 2023. Collection method: clinical testing. Allele origin: germline.
Comment: The p.W18819* variant (also known as c.56456G>A), located in coding exon 153 of the TTN gene, results from a G to A substitution at nucleotide position 56456. This changes the amino acid from a tryptophan to a stop codon within coding exon 153. This exon is located in the A-band region of the N2-B isoform of the titin protein and is constitutively expressed in TTN transcripts (percent spliced in or PSI 100%). This variant is considered to be rare based on population cohorts in the Genome Aggregation Database (gnomAD). This variant is expected to result in loss of function by premature protein truncation or nonsense-mediated mRNA decay. While truncating variants in TTN are present in 1-3% of the general population, truncating variants in the A-band are the most common cause of dilated cardiomyopathy (Herman DS et al. N. Engl. J. Med., 2012 Feb;366:619-28; Roberts AM et al. Sci Transl Med, 2015 Jan;7:270ra6). TTN truncating variants encoded in constitutive exons (PSI >90%) have been found to be significantly associated with DCM regardless of their position in titin (Schafer S et al. Nat. Genet., 2017 01;49:46-53; Akhtar MM et al. Circ Heart Fail, 2020 Oct;13:e006832; Massier M et al. Clin Genet, 2025 Jan). Based on the majority of available evidence to date, this variant is likely to be pathogenic.

NM_001267550.2(TTN):c.83651G>A (p.Trp27884Ter)

Genes: TTN (titin; minus strand), TTN-AS1 (TTN antisense RNA 1; plus strand). Cytogenetic location: 2q31.2.
Variant type: single nucleotide variant.
Coding change: c.83651G>A on transcript NM_001267550.2 (MANE Select); coding-DNA position 83651, G replaced by A.
Protein change: p.Trp27884Ter; replaces tryptophan 27884 with a stop codon.
Molecular consequence: nonsense.
Genome position (GRCh38, 1-based): chr2:178,562,481, C>T on the plus strand (G>A on the coding strand, the complement: TTN is on the minus strand). VCF-style: chr2-178562481-C-T. GRCh37 (hg19) VCF-style: chr2-179427208-C-T.
Other names: c.78728G>A, p.Trp26243Ter (NM_001256850.1); c.56456G>A, p.Trp18819Ter (NM_003319.4); c.75947G>A, p.Trp25316Ter (NM_133378.4); c.56831G>A, p.Trp18944Ter (NM_133432.3); c.57032G>A, p.Trp19011Ter (NM_133437.4); short protein forms W25316*, W18944*, W19011*, W26243*, W27884*, W18819*.
Identifiers: ClinVar variation 4615294 (VCV004615294.1).